The following is an entry in ClinVar:

ClinVar aggregate classification (germline): Likely benign. Review status: criteria provided, multiple submitters, no conflicts (2 of 4 stars). 3 submissions from 3 submitters: Likely benign (3). Last evaluated 2025-10-12.

Conditions:
de Barsy syndrome. Also called: Cutis laxa-corneal clouding-oligophrenia syndrome. Identifiers: Orphanet 2962, MedGen C0268354, MONDO:0017569.
Cutis laxa, autosomal dominant 3 (ADCL3). Identifiers: Orphanet 90348, MedGen C4225268, MONDO:0014706, OMIM 616603.
Autosomal dominant spastic paraplegia type 9. Identifiers: MedGen C1832669, MONDO:0015091.
Hereditary spastic paraplegia. Also called: Familial spastic paraparesis. Identifiers: Orphanet 685, MedGen C0037773, MONDO:0019064. Disease mechanism: loss of function.

Allele frequency attached by ClinVar (database versions not stated): ExAC 0.00001; TOPMed 0.00001; gnomAD exomes 0.00002 and 0.00003; gnomAD 0.00008 and 0.00009.
gnomAD v4.1: 29 of 1,611,436 alleles (0.0018%); highest among the groups gnomAD compares: East Asian, 0.0067%; 1 homozygote.

Submissions (3):

Labcorp Genetics (formerly Invitae), Labcorp
Classification: Likely benign for Autosomal dominant spastic paraplegia type 9; de Barsy syndrome; Cutis laxa, autosomal dominant 3. Last evaluated: 2025-10-12. Review status: criteria provided, single submitter. Criteria: Invitae Variant Classification Sherloc (09022015). Collection method: clinical testing. Allele origin: germline.

GeneDx
Classification: Likely benign. Last evaluated: 2021-03-19. Review status: criteria provided, single submitter. Criteria: GeneDx Variant Classification Process June 2021. Collection method: clinical testing. Allele origin: germline. Affected: yes.
Comment: See Variant Classification Assertion Criteria.

Genome Diagnostics Laboratory, The Hospital for Sick Children
Classification: Likely benign for Hereditary spastic paraplegia. Last evaluated: 2020-11-17. Review status: criteria provided, single submitter. Criteria: ACMG Guidelines, 2015. Collection method: clinical testing. Allele origin: germline. Affected: yes.

NM_002860.4(ALDH18A1):c.1248G>A (p.Gly416=)

Gene: ALDH18A1 (aldehyde dehydrogenase 18 family member A1; minus strand). Cytogenetic location: 10q24.1.
Variant type: single nucleotide variant.
Coding change: c.1248G>A on transcript NM_002860.4 (MANE Select); coding-DNA position 1248, G replaced by A.
Protein change: p.Gly416=; no amino-acid change (glycine 416 retained).
Molecular consequence: synonymous variant.
Genome position (GRCh38, 1-based): chr10:95,621,250, C>T on the plus strand (G>A on the coding strand, the complement: ALDH18A1 is on the minus strand). VCF-style: chr10-95621250-C-T. GRCh37 (hg19) VCF-style: chr10-97381007-C-T.
Other names: c.1242G>A, p.Gly414= (NM_001017423.2, NM_001323415.2); c.915G>A, p.Gly305= (NM_001323412.2, NM_001323416.2); c.1248G>A, p.Gly416= (NM_001323413.2, NM_001323414.2); c.1143G>A, p.Gly381= (NM_001323417.2); c.909G>A, p.Gly303= (NM_001323418.2); c.612G>A, p.Gly204= (NM_001323419.2).
Identifiers: ClinVar variation 1344215 (VCV001344215.6), dbSNP rs757733068, ClinGen allele CA5620368.